The following is an entry in ClinVar:

ClinVar aggregate classification (germline): Uncertain significance (1 of 4 stars; one submission).

Submission:

Labcorp Genetics (formerly Invitae), Labcorp
Classification: Uncertain significance. Last evaluated: 2022-09-27. Review status: criteria provided, single submitter. Criteria: Invitae Variant Classification Sherloc (09022015). Collection method: clinical testing. Allele origin: germline.
Comment: In summary, the available evidence is currently insufficient to determine the role of this variant in disease. Therefore, it has been classified as a Variant of Uncertain Significance. Algorithms developed to predict the effect of missense changes on protein structure and function (SIFT, PolyPhen-2, Align-GVGD) all suggest that this variant is likely to be disruptive. This variant has not been reported in the literature in individuals affected with OPN1SW-related conditions. This variant is not present in population databases (gnomAD no frequency). This sequence change replaces tryptophan, which is neutral and slightly polar, with cysteine, which is neutral and slightly polar, at codon 202 of the OPN1SW protein (p.Trp202Cys).

NM_001385125.1(OPN1SW):c.597G>C (p.Trp199Cys)

Gene: OPN1SW (opsin 1, short wave sensitive; minus strand). Cytogenetic location: 7q32.1.
Variant type: single nucleotide variant.
Coding change: c.597G>C on transcript NM_001385125.1 (MANE Select); coding-DNA position 597, G replaced by C.
Protein change: p.Trp199Cys; replaces tryptophan 199 with cysteine.
Molecular consequence: missense variant.
Genome position (GRCh38, 1-based): chr7:128,774,579, C>G on the plus strand (G>C on the coding strand, the complement: OPN1SW is on the minus strand). VCF-style: chr7-128774579-C-G. GRCh37 (hg19) VCF-style: chr7-128414633-C-G.
Other names: short protein forms W199C.
Identifiers: ClinVar variation 1720487 (VCV001720487.5), dbSNP rs2536291139, ClinGen allele CA369218739.